The following is an entry in ClinVar:

NM_001111125.3(IQSEC2):c.1615C>T (p.Pro539Ser)

Gene: IQSEC2 (IQ motif and Sec7 domain ArfGEF 2; minus strand). Cytogenetic location: Xp11.22.
Variant type: single nucleotide variant.
Coding change: c.1615C>T on transcript NM_001111125.3 (MANE Select); coding-DNA position 1615, C replaced by T.
Protein change: p.Pro539Ser; replaces proline 539 with serine.
Molecular consequence: missense variant.
Genome position (GRCh38, 1-based): chrX:53,250,961, G>A on the plus strand (C>T on the coding strand, the complement: IQSEC2 is on the minus strand). VCF-style: chrX-53250961-G-A. GRCh37 (hg19) VCF-style: chrX-53280143-G-A.
Other names: c.1615C>T (NM_001111125.1, NM_001111125.2); c.1615C>T, p.Pro539Ser (NM_001410736.1); c.1000C>T, p.Pro334Ser (NM_015075.2); short protein forms P334S, P539S.
Identifiers: ClinVar variation 2984908 (VCV002984908.5), dbSNP rs2519808022, ClinGen allele CA413165034.

ClinVar aggregate classification (germline): Uncertain significance. Review status: criteria provided, multiple submitters, no conflicts (2 of 4 stars). 3 submissions from 3 submitters: Uncertain significance (3). Last evaluated 2025-02-15.

Conditions:
Inborn genetic diseases. Identifiers: MedGen C0950123, MeSH D030342.
Intellectual developmental disorder, X-linked 1. Also called: Atkin Flaitz Patil Smith syndrome; Intellectual disability, X-linked 1; MENTAL RETARDATION, X-LINKED 18; MENTAL RETARDATION, X-LINKED 78. Identifiers: Orphanet 777, MedGen C2931498, MONDO:0010656, OMIM 309530.

Submissions (3):

Labcorp Genetics (formerly Invitae), Labcorp
Classification: Uncertain significance for Intellectual developmental disorder, X-linked 1. Last evaluated: 2025-02-15. Review status: criteria provided, single submitter. Criteria: Invitae Variant Classification Sherloc (09022015). Collection method: clinical testing. Allele origin: germline.
Comment: This sequence change replaces proline, which is neutral and non-polar, with serine, which is neutral and polar, at codon 539 of the IQSEC2 protein (p.Pro539Ser). This variant is not present in population databases (gnomAD no frequency). This variant has not been reported in the literature in individuals affected with IQSEC2-related conditions. ClinVar contains an entry for this variant (Variation ID: 2984908). Invitae Evidence Modeling of protein sequence and biophysical properties (such as structural, functional, and spatial information, amino acid conservation, physicochemical variation, residue mobility, and thermodynamic stability) indicates that this missense variant is not expected to disrupt IQSEC2 protein function with a negative predictive value of 95%. In summary, the available evidence is currently insufficient to determine the role of this variant in disease. Therefore, it has been classified as a Variant of Uncertain Significance.

GeneDx
Classification: Uncertain significance. Last evaluated: 2024-11-13. Review status: criteria provided, single submitter. Criteria: GeneDx Variant Classification Process June 2021. Collection method: clinical testing. Allele origin: germline. Affected: yes.
Comment: Not observed at significant frequency in large population cohorts (gnomAD); In silico analysis indicates that this missense variant does not alter protein structure/function; Has not been previously published as pathogenic or benign to our knowledge

Ambry Genetics
Classification: Uncertain significance for Inborn genetic diseases. Last evaluated: 2023-12-17. Review status: criteria provided, single submitter. Criteria: Ambry Variant Classification Scheme 2023. Collection method: clinical testing. Allele origin: germline.